The following is an entry in ClinVar:

NM_033310.3(KCNK4):c.841_843delinsTCA (p.Thr281Ser)

Genes: KCNK4 (potassium two pore domain channel subfamily K member 4; plus strand), KCNK4-CATSPERZ (KCNK4-CATSPERZ readthrough (NMD candidate); plus strand). Cytogenetic location: 11q13.1.
Variant type: Indel.
Coding change: c.841_843delinsTCA on transcript NM_033310.3 (MANE Select); coding-DNA positions 841 to 843, ACG replaced by TCA.
Protein change: p.Thr281Ser; replaces threonine 281 with serine.
Molecular consequence: missense variant. On other transcripts: non-coding transcript variant (3).
Genome position (GRCh38, 1-based): chr11:64,299,385-64,299,387, ACG replaced by TCA. VCF-style: chr11-64299385-ACG-TCA. GRCh37 (hg19) VCF-style: chr11-64066857-ACG-TCA.
Other names: c.841_843delinsTCA, p.Thr281Ser (NM_001317090.2); short protein forms T281S.
Identifiers: ClinVar variation 3367242 (VCV003367242.1).

ClinVar aggregate classification (germline): Uncertain significance (1 of 4 stars; one submission).

Submission:

GeneDx
Classification: Uncertain significance. Last evaluated: 2023-12-25. Review status: criteria provided, single submitter. Criteria: GeneDx Variant Classification Process June 2021. Collection method: clinical testing. Allele origin: germline. Affected: yes.
Comment: Not observed at significant frequency in large population cohorts (gnomAD); In silico analysis supports that this variant does not alter protein structure/function; Has not been previously published as pathogenic or benign to our knowledge